The following is an entry in ClinVar:

NM_004186.5(SEMA3F):c.1947+8C>T

Gene: SEMA3F (semaphorin 3F; plus strand). Cytogenetic location: 3p21.31.
Variant type: single nucleotide variant.
Coding change: c.1947+8C>T on transcript NM_004186.5 (MANE Select); 8 bases into the intron after coding-DNA position 1947, C replaced by T.
Molecular consequence: intron variant.
Genome position (GRCh38, 1-based): chr3:50,186,754, C>T. VCF-style: chr3-50186754-C-T. GRCh37 (hg19) VCF-style: chr3-50224187-C-T.
Other names: c.1650+8C>T (NM_001318798.2); c.1854+8C>T (NM_001318800.2).
Identifiers: ClinVar variation 3350601 (VCV003350601.1).

ClinVar aggregate classification (germline): Likely benign (0 of 4 stars; one submission).

Conditions:
SEMA3F-related disorder. Also called: SEMA3F-related condition.

gnomAD v4.1: 33 of 1,594,968 alleles (0.0021%); highest among the groups gnomAD compares: South Asian, 0.013%; no homozygotes.

Submission:

PreventionGenetics, part of Exact Sciences
Classification: Likely benign for SEMA3F-related condition. Last evaluated: 2024-07-25. Review status: no assertion criteria provided. Collection method: clinical testing. Allele origin: germline.
Comment: This variant is classified as likely benign based on ACMG/AMP sequence variant interpretation guidelines (Richards et al. 2015 PMID: 25741868, with internal and published modifications).